The following is an entry in ClinVar:

ClinVar aggregate classification (germline): Uncertain significance. Review status: criteria provided, multiple submitters, no conflicts (2 of 4 stars). 2 submissions from 2 submitters: Uncertain significance (2). Last evaluated 2024-09-02.

Conditions:
Inborn genetic diseases. Identifiers: MedGen C0950123, MeSH D030342.
Compton-North congenital myopathy (CMYO12). Identifiers: Orphanet 210163, MedGen C2675527, MONDO:0012929, OMIM 612540.

Allele frequency attached by ClinVar (database versions not stated): ESP Exome Variant Server 0.00008; TOPMed 0.00008; gnomAD exomes 0.00010; gnomAD 0.00011 and 0.00012; ExAC 0.00012.
gnomAD v4.1: 242 of 1,613,208 alleles (0.015%); highest among the groups gnomAD compares: Non-Finnish European, 0.019%; no homozygotes.

Submissions (2):

Ambry Genetics
Classification: Uncertain significance for Inborn genetic diseases. Last evaluated: 2024-09-02. Review status: criteria provided, single submitter. Criteria: Ambry Variant Classification Scheme 2023. Collection method: clinical testing. Allele origin: germline.

Labcorp Genetics (formerly Invitae), Labcorp
Classification: Uncertain significance for Compton-North congenital myopathy. Last evaluated: 2022-06-20. Review status: criteria provided, single submitter. Criteria: Invitae Variant Classification Sherloc (09022015). Collection method: clinical testing. Allele origin: germline.
Comment: This sequence change replaces valine, which is neutral and non-polar, with methionine, which is neutral and non-polar, at codon 342 of the CNTN1 protein (p.Val342Met). This variant is present in population databases (rs200139062, gnomAD 0.02%). This variant has not been reported in the literature in individuals affected with CNTN1-related conditions. ClinVar contains an entry for this variant (Variation ID: 537195). Advanced modeling of protein sequence and biophysical properties (such as structural, functional, and spatial information, amino acid conservation, physicochemical variation, residue mobility, and thermodynamic stability) performed at Invitae indicates that this missense variant is not expected to disrupt CNTN1 protein function. In summary, the available evidence is currently insufficient to determine the role of this variant in disease. Therefore, it has been classified as a Variant of Uncertain Significance.

NM_001843.4(CNTN1):c.1024G>A (p.Val342Met)

Gene: CNTN1 (contactin 1; plus strand). Cytogenetic location: 12q12.
Variant type: single nucleotide variant.
Coding change: c.1024G>A on transcript NM_001843.4 (MANE Select); coding-DNA position 1024, G replaced by A.
Protein change: p.Val342Met; replaces valine 342 with methionine.
Molecular consequence: missense variant.
Genome position (GRCh38, 1-based): chr12:40,936,819, G>A. VCF-style: chr12-40936819-G-A. GRCh37 (hg19) VCF-style: chr12-41330621-G-A.
Other names: c.1024G>A (NM_001843.2); c.1024G>A, p.Val342Met (NM_001256063.2, NM_001256064.2); c.991G>A, p.Val331Met (NM_175038.2); short protein forms V342M, V331M.
Identifiers: ClinVar variation 537195 (VCV000537195.12), dbSNP rs200139062, ClinGen allele CA6516768.
Genomic context (GRCh38, chr12:40,936,819, plus strand): 5'-TACAATGTTCCTTACTTTTTAGCATTCCCTGAGTGGGTAGAACACATCAATGACACAGAG[G>A]TGGACATAGGCAGTGATCTCTACTGGCCTTGTGTGGCCACAGGAAAGCCCATCCCTACAA-3'
Protein context (NP_001834.2, residues 332-352): EWVEHINDTE[Val342Met]DIGSDLYWPC